The following is an entry in ClinVar:

ClinVar aggregate classification (germline): Uncertain significance. Review status: criteria provided, multiple submitters, no conflicts (2 of 4 stars). 2 submissions from 2 submitters: Uncertain significance (2). Last evaluated 2025-09-19.

Conditions:
Tumor predisposition syndrome 3 (TPDS3). Also called: Glioma susceptibility 9; LONG TELOMERE SYNDROME, POT1-RELATED; POT1 Tumor Predisposition; Melanoma, cutaneous malignant, susceptibility to, 10. Identifiers: Orphanet 618, MedGen C4014476, MONDO:0014368, OMIM 615848.
Hereditary cancer-predisposing syndrome. Also called: Hereditary neoplastic syndrome; Hereditary Cancer Syndrome; Neoplastic Syndromes, Hereditary; Tumor predisposition. Identifiers: Orphanet 140162, MedGen C0027672, MeSH D009386, MONDO:0015356.

Allele frequency attached by ClinVar (database versions not stated): gnomAD exomes below 0.00001; gnomAD 0.00001; TOPMed 0.00001.
gnomAD v4.1: 3 of 1,596,348 alleles (0.00019%); highest among the groups gnomAD compares: Admixed American, 0.0034%; no homozygotes.

Submissions (2):

Labcorp Genetics (formerly Invitae), Labcorp
Classification: Uncertain significance for Tumor predisposition syndrome 3. Last evaluated: 2025-09-19. Review status: criteria provided, single submitter. Criteria: Invitae Variant Classification Sherloc (09022015). Collection method: clinical testing. Allele origin: germline.
Comment: This sequence change replaces arginine, which is basic and polar, with threonine, which is neutral and polar, at codon 188 of the POT1 protein (p.Arg188Thr). This variant is not present in population databases (gnomAD no frequency). This variant has not been reported in the literature in individuals affected with POT1-related conditions. ClinVar contains an entry for this variant (Variation ID: 475086). Invitae Evidence Modeling of protein sequence and biophysical properties (such as structural, functional, and spatial information, amino acid conservation, physicochemical variation, residue mobility, and thermodynamic stability) indicates that this missense variant is not expected to disrupt POT1 protein function with a negative predictive value of 80%. In summary, the available evidence is currently insufficient to determine the role of this variant in disease. Therefore, it has been classified as a Variant of Uncertain Significance.

Ambry Genetics
Classification: Uncertain significance for Hereditary cancer-predisposing syndrome. Last evaluated: 2025-08-22. Review status: criteria provided, single submitter. Criteria: Ambry Variant Classification Scheme 2023. Collection method: clinical testing. Allele origin: germline.
Comment: The p.R188T variant (also known as c.563G>C), located in coding exon 5 of the POT1 gene, results from a G to C substitution at nucleotide position 563. The arginine at codon 188 is replaced by threonine, an amino acid with similar properties. This amino acid position is not well conserved in available vertebrate species. In addition, this alteration is predicted to be tolerated by in silico analysis. Since supporting evidence is limited at this time, the clinical significance of this alteration remains unclear.

NM_015450.3(POT1):c.563G>C (p.Arg188Thr)

Gene: POT1 (protection of telomeres 1; minus strand). Cytogenetic location: 7q31.33.
Variant type: single nucleotide variant.
Coding change: c.563G>C on transcript NM_015450.3 (MANE Select); coding-DNA position 563, G replaced by C.
Protein change: p.Arg188Thr; replaces arginine 188 with threonine.
Molecular consequence: missense variant. On other transcripts: non-coding transcript variant (3).
Genome position (GRCh38, 1-based): chr7:124,859,096, C>G on the plus strand (G>C on the coding strand, the complement: POT1 is on the minus strand). VCF-style: chr7-124859096-C-G. GRCh37 (hg19) VCF-style: chr7-124499150-C-G.
Other names: c.170G>C, p.Arg57Thr (NM_001042594.2); short protein forms R188T, R57T.
Identifiers: ClinVar variation 475086 (VCV000475086.14), dbSNP rs1161774277, ClinGen allele CA369056793.